The following is an entry in ClinVar:

NM_024656.4(COLGALT1):c.-3G>A

Gene: COLGALT1 (collagen beta(1-O)galactosyltransferase 1; plus strand). Cytogenetic location: 19p13.11.
Variant type: single nucleotide variant.
Coding change: c.-3G>A on transcript NM_024656.4 (MANE Select); 3 bases upstream of the start codon, G replaced by A.
Molecular consequence: 5 prime UTR variant.
Genome position (GRCh38, 1-based): chr19:17,555,711, G>A. VCF-style: chr19-17555711-G-A. GRCh37 (hg19) VCF-style: chr19-17666520-G-A.
Identifiers: ClinVar variation 3257394 (VCV003257394.17).

ClinVar aggregate classification (germline): Uncertain significance (1 of 4 stars; one submission).

Submission:

CeGaT Center for Human Genetics Tuebingen
Classification: Uncertain significance. Last evaluated: 2024-07-01. Review status: criteria provided, single submitter. Criteria: CeGaT Center For Human Genetics Tuebingen Variant Classification Criteria Version 2. Collection method: clinical testing. Allele origin: germline. Affected: yes. Observed: 1 variant allele.
Comment: COLGALT1: PM2, BP4